The following is an entry in ClinVar:

NM_017934.7(PHIP):c.1312A>G (p.Thr438Ala)

Gene: PHIP (PHIP subunit of CUL4-Ring ligase complex; minus strand). Cytogenetic location: 6q14.1.
Variant type: single nucleotide variant.
Coding change: c.1312A>G on transcript NM_017934.7 (MANE Select); coding-DNA position 1312, A replaced by G.
Protein change: p.Thr438Ala; replaces threonine 438 with alanine.
Molecular consequence: missense variant.
Genome position (GRCh38, 1-based): chr6:79,015,707, T>C on the plus strand (A>G on the coding strand, the complement: PHIP is on the minus strand). VCF-style: chr6-79015707-T-C. GRCh37 (hg19) VCF-style: chr6-79725424-T-C.
Other names: c.1312A>G (NM_017934.6, NM_017934.5); short protein forms T438A.
Identifiers: ClinVar variation 2185380 (VCV002185380.6), dbSNP rs147542012, ClinGen allele CA3900183.

ClinVar aggregate classification (germline): Conflicting classifications of pathogenicity. Review status: criteria provided, conflicting classifications (1 of 4 stars). 3 submissions from 3 submitters: Uncertain significance (2); Likely benign (1). Last evaluated 2026-02-22.

Conditions:
Inborn genetic diseases. Identifiers: MedGen C0950123, MeSH D030342.
PHIP-related disorder. Also called: PHIP-related disorders; PHIP-related condition.

Allele frequency attached by ClinVar (database versions not stated): gnomAD exomes 0.00001; ExAC 0.00002; TOPMed 0.00012; ESP Exome Variant Server 0.00015; gnomAD 0.00019.
gnomAD v4.1: 40 of 1,606,942 alleles (0.0025%); highest among the groups gnomAD compares: African/African-American, 0.05%; no homozygotes.

Submissions (3):

PreventionGenetics, part of Exact Sciences
Classification: Uncertain significance for PHIP-related condition. Last evaluated: 2026-02-22. Review status: criteria provided, single submitter. Criteria: ACMG Guidelines, 2015. Collection method: clinical testing. Allele origin: germline.
Comment: The PHIP c.1312A>G variant is predicted to result in the amino acid substitution p.Thr438Ala. To our knowledge, this variant has not been reported in the literature. This variant is reported in 0.020% of alleles in individuals of African descent in gnomAD. Although we suspect that this variant may be benign, at this time, the clinical significance of this variant is uncertain due to the absence of conclusive functional and genetic evidence.

Labcorp Genetics (formerly Invitae), Labcorp
Classification: Likely benign. Last evaluated: 2026-01-17. Review status: criteria provided, single submitter. Criteria: Invitae Variant Classification Sherloc (09022015). Collection method: clinical testing. Allele origin: germline.

Ambry Genetics
Classification: Uncertain significance for Inborn genetic diseases. Last evaluated: 2025-11-19. Review status: criteria provided, single submitter. Criteria: Ambry Variant Classification Scheme 2023. Collection method: clinical testing. Allele origin: germline.
Comment: The c.1312A>G (p.T438A) alteration is located in exon 14 (coding exon 14) of the PHIP gene. This alteration results from a A to G substitution at nucleotide position 1312, causing the threonine (T) at amino acid position 438 to be replaced by an alanine (A). Based on data from gnomAD, the G allele has an overall frequency of 0.002% (6/281748) total alleles studied. The highest observed frequency was 0.02% (5/24890) of African alleles. Based on insufficient or conflicting evidence, the clinical significance of this alteration remains unclear.